The following is an entry in ClinVar:

ClinVar aggregate classification (germline): Pathogenic (1 of 4 stars; one submission).

Conditions:
Neuroblastoma, susceptibility to, 2. Identifiers: Orphanet 635, MedGen C2751682, MONDO:0700041, OMIM 613013.

Submission:

Baylor Genetics
Classification: Pathogenic for Neuroblastoma, susceptibility to, 2. Last evaluated: 2018-08-09. Review status: criteria provided, single submitter. Criteria: ACMG Guidelines, 2015. Collection method: clinical testing. Allele origin: paternal. Affected: yes.
Comment: This variant was determined to be pathogenic according to ACMG Guidelines, 2015 [PMID:25741868]. This variant has been previously reported as disease-causing in multiple patients with congenital central hypoventilation syndrome [PMID 15657873, 19058226, 12640453, 28371199]

Literature cited by the submitters: PubMed 15657873; PubMed 19058226; PubMed 12640453; PubMed 28371199.

NM_003924.4(PHOX2B):c.945A>C (p.Ter315Cys)

Gene: PHOX2B (paired like homeobox 2B; minus strand). Cytogenetic location: 4p13.
Variant type: single nucleotide variant.
Coding change: c.945A>C on transcript NM_003924.4 (MANE Select); coding-DNA position 945, A replaced by C.
Protein change: p.Ter315Cys.
Molecular consequence: stop lost.
Genome position (GRCh38, 1-based): chr4:41,745,807, T>G on the plus strand (A>C on the coding strand, the complement: PHOX2B is on the minus strand). VCF-style: chr4-41745807-T-G. GRCh37 (hg19) VCF-style: chr4-41747824-T-G.
Identifiers: ClinVar variation 1032169 (VCV001032169.1), dbSNP rs1553897738, ClinGen allele CA356736596.
Genomic context (GRCh38, chr4:41,745,807, plus strand): 5'-CCCGCCCGGGCCCTGGCTCGCCCGCTGTCGCCGCCGCCGCCGCCGCCGCAGGATTCCAGA[T>G]CAGAACATACTGCTCTTCACTAAGGCGGCTTTGGCACCGTTGGGTCTTTGGAGCGAAGAT-3'